The following is an entry in ClinVar:

ClinVar aggregate classification (germline): Uncertain significance (1 of 4 stars; one submission).

Conditions:
SMC3-related disorder. Also called: SMC3-related condition.

Submission:

PreventionGenetics, part of Exact Sciences
Classification: Uncertain significance for SMC3-related condition. Last evaluated: 2026-08-20. Review status: criteria provided, single submitter. Criteria: ACMG Guidelines, 2015. Collection method: clinical testing. Allele origin: germline.
Comment: The SMC3 c.1467T>A variant is predicted to result in the amino acid substitution p.Asp489Glu. To our knowledge, this variant has not been reported in the literature or in a large population database (gnomAD), indicating this variant is rare. At this time, the clinical significance of this variant is uncertain due to the absence of conclusive functional and genetic evidence.

NM_005445.4(SMC3):c.1467T>A (p.Asp489Glu)

Gene: SMC3 (structural maintenance of chromosomes 3; plus strand). Cytogenetic location: 10q25.2.
Variant type: single nucleotide variant.
Coding change: c.1467T>A on transcript NM_005445.4 (MANE Select); coding-DNA position 1467, T replaced by A.
Protein change: p.Asp489Glu; replaces aspartic acid 489 with glutamic acid.
Molecular consequence: missense variant.
Genome position (GRCh38, 1-based): chr10:110,589,949, T>A. VCF-style: chr10-110589949-T-A. GRCh37 (hg19) VCF-style: chr10-112349707-T-A.
Other names: short protein forms D489E.
Identifiers: ClinVar variation 4984692 (VCV004984692.1).
Genomic context (GRCh38, chr10:110,589,949, plus strand): 5'-TAGCTACTTGTGGAGAGAAGAGAATGCAGAACAGCAAGCACTTGCTGCTAAAAGAGAAGA[T>A]CTTGAAAAGAAGCAACAACTTCTTAGAGCAGCAACAGGAAAGGTGGGCAGGTTCTTTTCA-3'
Protein context (NP_005436.1, residues 479-499): EQQALAAKRE[Asp489Glu]LEKKQQLLRA